The following is an entry in ClinVar:

NM_006306.4(SMC1A):c.563G>A (p.Arg188His)

Gene: SMC1A (structural maintenance of chromosomes 1A; minus strand). Cytogenetic location: Xp11.22.
Variant type: single nucleotide variant.
Coding change: c.563G>A on transcript NM_006306.4 (MANE Select); coding-DNA position 563, G replaced by A.
Protein change: p.Arg188His; replaces arginine 188 with histidine.
Molecular consequence: missense variant.
Genome position (GRCh38, 1-based): chrX:53,413,284, C>T on the plus strand (G>A on the coding strand, the complement: SMC1A is on the minus strand). VCF-style: chrX-53413284-C-T. GRCh37 (hg19) VCF-style: chrX-53440234-C-T.
Other names: c.497G>A, p.Arg166His (NM_001281463.1); short protein forms R166H, R188H.
Identifiers: ClinVar variation 4538583 (VCV004538583.2).
Genomic context (GRCh38, chrX:53,413,284, plus strand): 5'-CCACCTACCTCTTCTTTCTCCTGCTTTGCTTCCTTGCGTTCAGCCGCAATATTTTTCTTG[C>T]GATGGTAATTAAACTGTGTGTCCTCTTCAGCCTTCACCATTTCCTTCTTTCGCTTGTCAT-3'
Protein context (NP_006297.2, residues 178-198): AEEDTQFNYH[Arg188His]KKNIAAERKE

ClinVar aggregate classification (germline): Conflicting classifications of pathogenicity. Review status: criteria provided, conflicting classifications (1 of 4 stars). 2 submissions from 2 submitters: Pathogenic (1); Uncertain significance (1). Last evaluated 2025-06-19.

Submissions (2):

GeneDx
Classification: Pathogenic. Last evaluated: 2025-06-19. Review status: criteria provided, single submitter. Criteria: GeneDx Variant Classification Process June 2021. Collection method: clinical testing. Allele origin: germline. Affected: yes.
Comment: Not observed at significant frequency in large population cohorts (gnomAD); Missense variants in this gene are a common cause of disease and they are underrepresented in the general population; In silico analysis supports that this missense variant has a deleterious effect on protein structure/function; Has not been previously published as pathogenic or benign to our knowledge

Blueprint Genetics
Classification: Uncertain significance. Last evaluated: 2020-02-03. Review status: criteria provided, single submitter. Criteria: ACMG Guidelines, 2015. Collection method: clinical testing. Allele origin: germline.